The following is an entry in ClinVar:

NM_000444.6(PHEX):c.2008G>A (p.Glu670Lys)

Genes: PHEX (phosphate regulating endopeptidase X-linked; plus strand), PTCHD1-AS (PTCHD1 and PHEX antisense RNA; minus strand). Cytogenetic location: Xp22.11.
Variant type: single nucleotide variant.
Coding change: c.2008G>A on transcript NM_000444.6 (MANE Select); coding-DNA position 2008, G replaced by A.
Protein change: p.Glu670Lys; replaces glutamic acid 670 with lysine.
Molecular consequence: missense variant. On other transcripts: non-coding transcript variant (1).
Genome position (GRCh38, 1-based): chrX:22,227,549, G>A. VCF-style: chrX-22227549-G-A. GRCh37 (hg19) VCF-style: chrX-22245666-G-A.
Other names: c.2008G>A, p.Glu670Lys (NM_001282754.2); short protein forms E670K.
Identifiers: ClinVar variation 1338987 (VCV001338987.3), dbSNP rs2147184646, ClinGen allele CA412574381.

ClinVar aggregate classification (germline): Uncertain significance. Review status: criteria provided, single submitter (1 of 4 stars). 2 submissions from 2 submitters: Uncertain significance (1). 1 of the submissions does not count toward it.

Conditions:
Hypophosphataemia or rickets.
Familial X-linked hypophosphatemic vitamin D refractory rickets (XLHRD). Also called: Hypophosphatemia, vitamin D-resistant rickets; Vitamin D-resistant rickets, X-linked; X-Linked Hypophosphatemia; HYPOPHOSPHATEMIC VITAMIN D-RESISTANT RICKETS; Hypophosphatemic Rickets, X-Linked Dominant. Identifiers: Orphanet 89936, MedGen C0733682, MONDO:0010619, OMIM 307800.

Submissions (2):

Neuberg Centre For Genomic Medicine, NCGM
Classification: Uncertain significance for Familial X-linked hypophosphatemic vitamin D refractory rickets. Review status: criteria provided, single submitter. Criteria: ACMG Guidelines, 2015. Collection method: clinical testing. Allele origin: germline. Affected: yes.
Comment: The missense variant p.E670K in PHEX (NM_000444.6) has not been reported previously in published literature as a pathogenic variant nor as a benign variant, to our knowledge. It has been submitted to the LOVD database as Likely Pathogenic but there are no clinical details available for independent assesment. The p.E670K variant is novel (not in any individuals) in gnomAD Exomes and is novel (not in any individuals) in 1000 Genomes. The p.E670K missense variant is predicted to be damaging by both SIFT and PolyPhen2. The glutamic acid residue at codon 670 of PHEX is conserved in all mammalian species. The nucleotide c.2008 in PHEX is predicted conserved by GERP++ and PhyloP across 100 vertebrates. For these reasons, this variant has been classified as Uncertain Significance.

Exeter Genomics Laboratory, Royal Devon University Healthcare NHS Foundation Trust
Classification: Likely pathogenic for Hypophosphataemia or rickets. Last evaluated: 2025-06-06. Review status: no assertion criteria provided. Collection method: clinical testing. Allele origin: germline. Affected: yes. Not counted in ClinVar's aggregate classification.